The following is an entry in ClinVar:

ClinVar aggregate classification (germline): Uncertain significance (1 of 4 stars; one submission).

Submission:

GeneDx
Classification: Uncertain significance. Last evaluated: 2025-04-16. Review status: criteria provided, single submitter. Criteria: GeneDx Variant Classification Process June 2021. Collection method: clinical testing. Allele origin: germline. Affected: yes.
Comment: Not observed at significant frequency in large population cohorts (gnomAD); In silico analysis supports that this missense variant has a deleterious effect on protein structure/function; Has not been previously published as pathogenic or benign to our knowledge

NM_002430.3(MN1):c.2792A>T (p.Asp931Val)

Gene: MN1 (MN1 proto-oncogene, transcriptional regulator; minus strand). Cytogenetic location: 22q12.1.
Variant type: single nucleotide variant.
Coding change: c.2792A>T on transcript NM_002430.3 (MANE Select); coding-DNA position 2792, A replaced by T.
Protein change: p.Asp931Val; replaces aspartic acid 931 with valine.
Molecular consequence: missense variant.
Genome position (GRCh38, 1-based): chr22:27,797,752, T>A on the plus strand (A>T on the coding strand, the complement: MN1 is on the minus strand). VCF-style: chr22-27797752-T-A. GRCh37 (hg19) VCF-style: chr22-28193740-T-A.
Other names: short protein forms D931V.
Identifiers: ClinVar variation 4282161 (VCV004282161.1).